The following is an entry in ClinVar:

ClinVar aggregate classification (germline): Benign. Review status: criteria provided, multiple submitters, no conflicts (2 of 4 stars). 3 submissions from 3 submitters: Benign (3). Last evaluated 2026-01-21.

Allele frequency attached by ClinVar (database versions not stated): gnomAD exomes 0.15406; ESP Exome Variant Server 0.16523; ExAC 0.18349; gnomAD 0.18471; 1000 Genomes Project 0.19649; TOPMed 0.19763; 1000 Genomes Project 30x 0.19831.
gnomAD v4.1: 253,875 of 1,614,000 alleles (16%); highest among the groups gnomAD compares: Admixed American, 38%; 22,623 homozygotes.

Submissions (3):

Women's Health and Genetics/Laboratory Corporation of America, LabCorp
Classification: Benign. Last evaluated: 2026-01-21. Review status: criteria provided, single submitter. Criteria: LabCorp Variant Classification Summary - May 2015. Collection method: clinical testing. Allele origin: germline.

Unidad de Genómica Garrahan, Hospital de Pediatría Garrahan
Classification: Benign. Last evaluated: 2024-01-24. Review status: criteria provided, single submitter. Criteria: ACMG Guidelines, 2015. Collection method: clinical testing. Allele origin: germline. Affected: no. Observed: 60 variant alleles.
Comment: This variant is classified as Benign based on local population frequency. This variant was detected in 63% of patients studied by a panel of primary immunodeficiencies. Number of patients: 60. Only high quality variants are reported.

Mayo Clinic Laboratories, Mayo Clinic
Classification: Benign. Last evaluated: 2022-09-06. Review status: criteria provided, single submitter. Criteria: ACMG Guidelines, 2015. Collection method: clinical testing. Allele origin: germline. Observed: 16 variant alleles.

NM_003177.7(SYK):c.1302G>C (p.Arg434=)

Gene: SYK (spleen associated tyrosine kinase; plus strand). Cytogenetic location: 9q22.2.
Variant type: single nucleotide variant.
Coding change: c.1302G>C on transcript NM_003177.7 (MANE Select); coding-DNA position 1302, G replaced by C.
Protein change: p.Arg434=; no amino-acid change (arginine 434 retained).
Molecular consequence: synonymous variant.
Genome position (GRCh38, 1-based): chr9:90,877,691, G>C. VCF-style: chr9-90877691-G-C. GRCh37 (hg19) VCF-style: chr9-93639973-G-C.
Other names: p.Arg434=; c.1233G>C, p.Arg411= (NM_001135052.4, NM_001174168.3); c.1302G>C, p.Arg434= (NM_001174167.3).
Identifiers: ClinVar variation 2688052 (VCV002688052.4), dbSNP rs2290888, ClinGen allele CA5119463.
Genomic context (GRCh38, chr9:90,877,691, plus strand): 5'-AGATGAGTTATTAGCAGAAGCAAATGTCATGCAGCAGCTGGACAACCCGTACATCGTGCG[G>C]ATGATCGGGATATGCGAGGCCGAGTCCTGGATGCTGGTTATGGAGATGGCAGAACTTGGT-3'
Protein context (NP_003168.2, residues 424-444): MQQLDNPYIV[Arg434=]MIGICEAESW